The following is an entry in ClinVar:

ClinVar aggregate classification (germline): Uncertain significance (1 of 4 stars; one submission).

Submission:

GeneDx
Classification: Uncertain significance. Last evaluated: 2024-07-25. Review status: criteria provided, single submitter. Criteria: GeneDx Variant Classification Process June 2021. Collection method: clinical testing. Allele origin: germline.
Comment: Not observed at significant frequency in large population cohorts (gnomAD); In silico analysis supports that this missense variant has a deleterious effect on protein structure/function; Has not been previously published as pathogenic or benign to our knowledge

NM_031407.7(HUWE1):c.10828C>T (p.Arg3610Trp)

Gene: HUWE1 (HECT, UBA and WWE domain containing E3 ubiquitin protein ligase 1; minus strand). Cytogenetic location: Xp11.22.
Variant type: single nucleotide variant.
Coding change: c.10828C>T on transcript NM_031407.7 (MANE Select); coding-DNA position 10828, C replaced by T.
Protein change: p.Arg3610Trp; replaces arginine 3610 with tryptophan.
Molecular consequence: missense variant.
Genome position (GRCh38, 1-based): chrX:53,546,523, G>A on the plus strand (C>T on the coding strand, the complement: HUWE1 is on the minus strand). VCF-style: chrX-53546523-G-A. GRCh37 (hg19) VCF-style: chrX-53573484-G-A.
Other names: short protein forms R3610W.
Identifiers: ClinVar variation 1803295 (VCV001803295.2), dbSNP rs2523007812, ClinGen allele CA413134495.